The following is an entry in ClinVar:

NM_006206.6(PDGFRA):c.2756A>G (p.Asp919Gly)

Gene: PDGFRA (platelet derived growth factor receptor alpha; plus strand). Cytogenetic location: 4q12.
Variant type: single nucleotide variant.
Coding change: c.2756A>G on transcript NM_006206.6 (MANE Select); coding-DNA position 2756, A replaced by G.
Protein change: p.Asp919Gly; replaces aspartic acid 919 with glycine.
Molecular consequence: missense variant.
Genome position (GRCh38, 1-based): chr4:54,288,880, A>G. VCF-style: chr4-54288880-A-G. GRCh37 (hg19) VCF-style: chr4-55155047-A-G.
Other names: c.2831A>G, p.Asp944Gly (NM_001347828.2); c.2756A>G, p.Asp919Gly (NM_001347829.2); c.2795A>G, p.Asp932Gly (NM_001347830.2); short protein forms D919G, D944G, D932G.
Identifiers: ClinVar variation 2453874 (VCV002453874.2), dbSNP rs1245859165, ClinGen allele CA356895586.

ClinVar aggregate classification (germline): Uncertain significance (1 of 4 stars; one submission).

Conditions:
Hereditary cancer-predisposing syndrome. Also called: Neoplastic Syndromes, Hereditary; Hereditary neoplastic syndrome; Tumor predisposition; Hereditary Cancer Syndrome. Identifiers: Orphanet 140162, MedGen C0027672, MeSH D009386, MONDO:0015356.

Allele frequency attached by ClinVar (database versions not stated): gnomAD exomes below 0.00001.
gnomAD v4.1: 1 of 1,608,310 alleles (0.000062%); highest among the groups gnomAD compares: East Asian, 0.0022%; no homozygotes.

Submission:

Ambry Genetics
Classification: Uncertain significance for Hereditary cancer-predisposing syndrome. Last evaluated: 2023-02-18. Review status: criteria provided, single submitter. Criteria: Ambry Variant Classification Scheme 2023. Collection method: clinical testing. Allele origin: germline.
Comment: The p.D919G variant (also known as c.2756A>G), located in coding exon 19 of the PDGFRA gene, results from an A to G substitution at nucleotide position 2756. The aspartic acid at codon 919 is replaced by glycine, an amino acid with similar properties. This amino acid position is conserved. In addition, the in silico prediction for this alteration is inconclusive. Since supporting evidence is limited at this time, the clinical significance of this alteration remains unclear.